The following is an entry in ClinVar:

NM_007373.4(SHOC2):c.517A>G (p.Met173Val)

Gene: SHOC2 (SHOC2 leucine rich repeat scaffold protein; plus strand). Cytogenetic location: 10q25.2.
Variant type: single nucleotide variant.
Coding change: c.517A>G on transcript NM_007373.4 (MANE Select); coding-DNA position 517, A replaced by G.
Protein change: p.Met173Val; replaces methionine 173 with valine.
Molecular consequence: missense variant.
Genome position (GRCh38, 1-based): chr10:110,964,875, A>G. VCF-style: chr10-110964875-A-G. GRCh37 (hg19) VCF-style: chr10-112724633-A-G.
Other names: c.517A>G, p.Met173Val (NM_001269039.3, NM_001324336.2, NM_001324337.2); short protein forms M173V.
Identifiers: ClinVar variation 373090 (VCV000373090.19), dbSNP rs1057518206, ClinGen allele CA16042684.

ClinVar aggregate classification (germline): Conflicting classifications of pathogenicity. Review status: criteria provided, conflicting classifications (1 of 4 stars). 9 submissions from 9 submitters: Pathogenic (3); Likely pathogenic (5); Uncertain significance (1). Last evaluated 2025-12-01.

Conditions:
Noonan syndrome-like disorder with loose anagen hair 1 (NSLH1). Also called: TOSTI SYNDROME; MAZZANTI SYNDROME. Identifiers: Orphanet 2701, MedGen C4478716, MONDO:0054637, OMIM 607721.
SHOC2-related disorder. Also called: SHOC2-related condition.
Noonan syndrome-like disorder with loose anagen hair (NS/LAH). Also called: Noonan-like syndrome with loose anagen hair. Identifiers: Orphanet 2701, MedGen C1843181, MONDO:0011899.
RASopathy. Also called: rasopathies; Noonan spectrum disorder. Identifiers: Orphanet 536391, MedGen C5555857, MONDO:0021060.

Submissions (9):

3billion
Classification: Pathogenic for Noonan syndrome-like disorder with loose anagen hair 1. Last evaluated: 2025-12-01. Review status: criteria provided, single submitter. Criteria: ACMG Guidelines, 2015. Collection method: clinical testing. Allele origin: germline. Affected: yes.
Comment: The variant is not observed in the gnomAD v4.1.0 dataset. Predicted Consequence/Location: Missense variant. Missense changes are a common disease-causing mechanism. In silico tool predictions suggest damaging effect of the variant on gene or gene product [3Cnet: 0.99 (> 0.75, sensitivity 0.96 and precision 0.92)]. The same nucleotide change resulting in the same amino acid change has been previously reported as pathogenic/likely pathogenic with strong evidence (ClinVar ID: VCV000373090). A different missense change at the same codon (p.Met173Ile) has been reported as pathogenic/likely pathogenic with strong evidence (ClinVar ID: VCV000181528, VCV002850800 /PMID: 25137548). Therefore, this variant is classified as Pathogenic according to the recommendation of ACMG/AMP guideline.

PreventionGenetics, part of Exact Sciences
Classification: Likely pathogenic for SHOC2-related condition. Last evaluated: 2025-10-07. Review status: criteria provided, single submitter. Criteria: ACMG Guidelines, 2015. Collection method: clinical testing. Allele origin: germline.
Comment: The SHOC2 c.517A>G variant is predicted to result in the amino acid substitution p.Met173Val. This variant has been reported as de novo in an individual with a Noonan-like RASopathy known as Mazzanti syndrome (Motta et al. 2022. PubMed ID: 35348676). This variant has not been reported in a large population database (gnomAD), indicating this variant is rare. Alternate missense substitutions affecting this amino acid (p.Met173Ile and p.Met173_Leu174delinsIlePhe) have also been reported in individuals with Noonan-like syndrome (Hannig et al. 2014. PubMed ID: 25137548; Motta et al. 2022. PubMed ID: 35348676). The c.517A>G (p.Met173Val) variant is interpreted as likely pathogenic.

Labcorp Genetics (formerly Invitae), Labcorp
Classification: Pathogenic for RASopathy. Last evaluated: 2024-06-12. Review status: criteria provided, single submitter. Criteria: Invitae Variant Classification Sherloc (09022015). Collection method: clinical testing. Allele origin: germline.
Comment: This sequence change replaces methionine, which is neutral and non-polar, with valine, which is neutral and non-polar, at codon 173 of the SHOC2 protein (p.Met173Val). This variant is not present in population databases (gnomAD no frequency). This missense change has been observed in individual(s) with Noonan-like syndrome with loose anagen hair (PMID: 22670144, 35348676). In at least one individual the variant was observed to be de novo. ClinVar contains an entry for this variant (Variation ID: 373090). Advanced modeling of protein sequence and biophysical properties (such as structural, functional, and spatial information, amino acid conservation, physicochemical variation, residue mobility, and thermodynamic stability) performed at Invitae indicates that this missense variant is not expected to disrupt SHOC2 protein function with a negative predictive value of 80%. This variant disrupts the p.Met173 amino acid residue in SHOC2. Other variant(s) that disrupt this residue have been determined to be pathogenic (PMID: 25137548, 29907801, 30348783; Invitae). This suggests that this residue is clinically significant, and that variants that disrupt this residue are likely to be disease-causing. For these reasons, this variant has been classified as Pathogenic.

Victorian Clinical Genetics Services, Murdoch Childrens Research Institute
Classification: Pathogenic for Noonan syndrome-like disorder with loose anagen hair 1. Last evaluated: 2023-07-17. Review status: criteria provided, single submitter. Criteria: ACMG Guidelines, 2015. Collection method: clinical testing. Allele origin: germline. Inheritance: Autosomal dominant inheritance. Affected: yes.
Comment: Based on the classification scheme VCGS_Germline_v1.3.4, this variant is classified as Pathogenic. Following criteria are met: 0101 - Gain of function is a known mechanism of disease in this gene and is associated with Noonan syndrome-like with loose anagen hair 1 (MIM#607721). Missense variants in this gene result in enhanced MAPK activation (OMIM, PMID: 19684605). (I) 0107 - This gene is associated with autosomal dominant disease. (I) 0200 - Variant is predicted to result in a missense amino acid change from methionine to valine. (I) 0251 - This variant is heterozygous. (I) 0301 - Variant is absent from gnomAD (both v2 and v3). (SP) 0502 - Missense variant with conflicting in silico predictions and uninformative conservation. (I) 0600 - Variant is located in the annotated leucine rich repeat domain (DECIPHER). (I) 0710 - Other missense variants comparable to the one identified in this case have inconclusive previous evidence for pathogenicity. c.519G>A; p.(Met173Ile) has been reported as a VUS by an expert panel in ClinVar, and also as likely pathogenic/pathogenic. c.519G>T; p.(Met173Ile) has been reported as a VUS in ClinVar. (I) 0801 - This variant has strong previous evidence of pathogenicity in unrelated individuals. This variant has been reported as de novo in two individuals with a RASopathy (PMID: 22670144, ClinVar-GeneDx). This variant has been reported multiple times as likely pathogenic in ClinVar and once as a VUS. (SP) 1002 - This variant has moderate functional evidence supporting abnormal protein function. Functional studies showed increased stimulus-dependent MAPK signalling and enhanced binding of SHOC2 to MRAS and PPP1CB (PMID: 35348676). (SP) Legend: (SP) - Supporting pathogenic, (I) - Information, (SB) - Supporting benign

MGZ Medical Genetics Center
Classification: Uncertain significance for Noonan syndrome-like disorder with loose anagen hair 1. Last evaluated: 2022-03-31. Review status: criteria provided, single submitter. Criteria: ACMG Guidelines, 2015. Collection method: clinical testing. Allele origin: germline. Affected: yes. Observed: 1 variant allele.
Comment: ACMG criteria applied: PS2_MOD, PM2_SUP, PP2

Tartaglia Lab, Genetics and Rare Diseases Research Division, Bambino Gesu' Children's Hospital
Classification: Likely pathogenic for Noonan syndrome-like disorder with loose anagen hair 1. Last evaluated: 2022-01-05. Review status: criteria provided, single submitter. Criteria: ACMG Guidelines, 2015. Collection method: research. Allele origin: de novo. Affected: yes.

Women's Health and Genetics/Laboratory Corporation of America, LabCorp
Classification: Likely pathogenic for Noonan syndrome-like disorder with loose anagen hair. Last evaluated: 2021-08-30. Review status: criteria provided, single submitter. Criteria: LabCorp Variant Classification Summary - May 2015. Collection method: clinical testing. Allele origin: germline.
Comment: Variant summary: SHOC2 c.517A>G (p.Met173Val) results in a conservative amino acid change in the encoded protein sequence. Four of five in-silico tools predict a benign effect of the variant on protein function. The variant was absent in 250232 control chromosomes. The available data on variant occurrences in the general population are insufficient to allow any conclusion about variant significance. c.517A>G has been reported as a de novo variant in one individual affected with Noonan-like Syndrome With Loose Anagen Hair (Kuechler_2012). This variant has been also observed as apparently de novo in clinical testing (ClinVar 373090). To our knowledge, no experimental evidence demonstrating an impact on protein function has been reported. One clinical diagnostic laboratory has submitted clinical-significance assessments for this variant to ClinVar after 2014 without evidence for independent evaluation and classified the variant as likely pathogenic. In addition, another variant affecting the same codon (p.M173I) has been reported to associate with Rasopathy (HGMD database). Based on the evidence outlined above, the variant was classified as likely pathogenic.

Blueprint Genetics
Classification: Likely pathogenic for SHOC2-related disorders. Last evaluated: 2018-01-17. Review status: criteria provided, single submitter. Criteria: ACMG Guidelines, 2015. Collection method: clinical testing. Allele origin: germline. Affected: yes. Observed: 3 variant alleles.

GeneDx
Classification: Likely pathogenic. Last evaluated: 2016-12-01. Review status: criteria provided, single submitter. Criteria: GeneDx Variant Classification (06012015). Collection method: clinical testing. Allele origin: germline. Affected: yes.
Comment: The M173V variant has been reported as a de novo variant in association with a RASopathy (Kuechler et al., 2012). Another variant at this residue, M173I, has been published in association with a RASopathy and in vitro functional studies demonstrated that the variant results in altered SHOC2 function; however, this variant was inherited from a parent lacking clear RASopathy-specific clinical features (Hannig et al., 2014). Similar functional studies still have to be performed for the M173V variant to confirm a similar consequence. In addition, the only well-defined pathogenic variant in the SHOC2 gene known to cause a RASopathy is c.4 A>G (p.Ser2Gly), which results in altered protein localization rather than function (Cordeddu et al., 2009; Lee et al., 2011). The M173V variant was not observed in approximately 6,500 individuals of European and African American ancestry in the NHLBI Exome Sequencing Project, indicating it is not a common benign variant in these populations. The M173V variant is a conservative amino acid substitution, which is not likely to impact secondary protein structure as these residues share similar properties. This substitution occurs at a position that is conserved across species. In silico analysis is inconsistent in its predictions as to whether or not the variant is damaging to the protein structure/function. This variant has been observed to be apparently de novo at GeneDx. Therefore, this variant is likely pathogenic; however, the possibility that it is benign cannot be excluded.

Literature cited by the submitters: PubMed 25137548 (cited by 3billion and Labcorp Genetics (formerly Invitae), Labcorp); PubMed 22670144 (cited by 3 submitters); PubMed 35348676 (cited by Labcorp Genetics (formerly Invitae), Labcorp and Victorian Clinical Genetics Services, Murdoch Childrens Research Institute); PubMed 29907801 (cited by Labcorp Genetics (formerly Invitae), Labcorp); PubMed 30348783 (cited by Labcorp Genetics (formerly Invitae), Labcorp); PubMed 19684605 (cited by Victorian Clinical Genetics Services, Murdoch Childrens Research Institute).